The following is an entry in ClinVar:

NM_024757.5(EHMT1):c.1222G>C (p.Glu408Gln)

Gene: EHMT1 (euchromatic histone lysine methyltransferase 1; plus strand). Cytogenetic location: 9q34.3.
Variant type: single nucleotide variant.
Coding change: c.1222G>C on transcript NM_024757.5 (MANE Select); coding-DNA position 1222, G replaced by C.
Protein change: p.Glu408Gln; replaces glutamic acid 408 with glutamine.
Molecular consequence: missense variant.
Genome position (GRCh38, 1-based): chr9:137,752,382, G>C. VCF-style: chr9-137752382-G-C. GRCh37 (hg19) VCF-style: chr9-140646834-G-C.
Other names: c.1222G>C, p.Glu408Gln (NM_001145527.2, NM_001354611.2); c.1129G>C, p.Glu377Gln (NM_001354259.2, NM_001354612.2); c.1201G>C, p.Glu401Gln (NM_001354263.2); short protein forms E408Q, E377Q, E401Q.
Identifiers: ClinVar variation 570683 (VCV000570683.11), dbSNP rs1564693239, ClinGen allele CA375761472.

ClinVar aggregate classification (germline): Uncertain significance (1 of 4 stars; one submission).

Conditions:
Kleefstra syndrome 1 (KLEFS1). Identifiers: Orphanet 261494, MedGen C0795833, MONDO:0027407, OMIM 610253.

Submission:

Labcorp Genetics (formerly Invitae), Labcorp
Classification: Uncertain significance for Kleefstra syndrome 1. Last evaluated: 2019-05-03. Review status: criteria provided, single submitter. Criteria: Invitae Variant Classification Sherloc (09022015). Collection method: clinical testing. Allele origin: germline.
Comment: In summary, the available evidence is currently insufficient to determine the role of this variant in disease. Therefore, it has been classified as a Variant of Uncertain Significance. Algorithms developed to predict the effect of missense changes on protein structure and function do not agree on the potential impact of this missense change (SIFT: "Deleterious"; PolyPhen-2: "Possibly Damaging"; Align-GVGD: "Class C0"). This variant has not been reported in the literature in individuals with EHMT1-related disease. This variant is not present in population databases (ExAC no frequency). This sequence change replaces glutamic acid with glutamine at codon 408 of the EHMT1 protein (p.Glu408Gln). The glutamic acid residue is highly conserved and there is a small physicochemical difference between glutamic acid and glutamine.